The following is an entry in ClinVar:

NM_001046.3(SLC12A2):c.2599G>A (p.Ala867Thr)

Gene: SLC12A2 (solute carrier family 12 member 2; plus strand). Cytogenetic location: 5q23.3.
Variant type: single nucleotide variant.
Coding change: c.2599G>A on transcript NM_001046.3 (MANE Select); coding-DNA position 2599, G replaced by A.
Protein change: p.Ala867Thr; replaces alanine 867 with threonine.
Molecular consequence: missense variant. On other transcripts: non-coding transcript variant (1).
Genome position (GRCh38, 1-based): chr5:128,161,783, G>A. VCF-style: chr5-128161783-G-A. GRCh37 (hg19) VCF-style: chr5-127497475-G-A.
Other names: c.2599G>A, p.Ala867Thr (NM_001256461.2); short protein forms A867T.
Identifiers: ClinVar variation 1914694 (VCV001914694.7), dbSNP rs760870175, ClinGen allele CA3393394.

ClinVar aggregate classification (germline): Uncertain significance. Review status: criteria provided, multiple submitters, no conflicts (2 of 4 stars). 2 submissions from 2 submitters: Uncertain significance (2). Last evaluated 2026-06-01.

Allele frequency attached by ClinVar (database versions not stated): gnomAD 0.00001; ExAC 0.00003; gnomAD exomes 0.00003; TOPMed 0.00003.

Submissions (2):

CeGaT Center for Human Genetics Tuebingen
Classification: Uncertain significance. Last evaluated: 2026-06-01. Review status: criteria provided, single submitter. Criteria: CeGaT Center For Human Genetics Tuebingen Variant Classification Criteria Version 2. Collection method: clinical testing. Allele origin: germline. Affected: yes. Observed: 1 variant allele.
Comment: SLC12A2: PM2, PP3

Labcorp Genetics (formerly Invitae), Labcorp
Classification: Uncertain significance. Last evaluated: 2025-12-13. Review status: criteria provided, single submitter. Criteria: Invitae Variant Classification Sherloc (09022015). Collection method: clinical testing. Allele origin: germline.
Comment: This sequence change replaces alanine, which is neutral and non-polar, with threonine, which is neutral and polar, at codon 867 of the SLC12A2 protein (p.Ala867Thr). This variant is present in population databases (rs760870175, gnomAD 0.006%). This variant has not been reported in the literature in individuals affected with SLC12A2-related conditions. ClinVar contains an entry for this variant (Variation ID: 1914694). Invitae Evidence Modeling of protein sequence and biophysical properties (such as structural, functional, and spatial information, amino acid conservation, physicochemical variation, residue mobility, and thermodynamic stability) indicates that this missense variant is not expected to disrupt SLC12A2 protein function with a negative predictive value of 80%. Algorithms developed to predict the effect of sequence changes on RNA splicing suggest that this variant may create or strengthen a splice site. In summary, the available evidence is currently insufficient to determine the role of this variant in disease. Therefore, it has been classified as a Variant of Uncertain Significance.